The following is an entry in ClinVar:

NM_007294.3(BRCA1):c.548-?_5193+?del

Genes: BRCA1 (BRCA1 DNA repair associated; minus strand), LOC126862571 (BRD4-independent group 4 enhancer GRCh37_chr17:41243136-41244335; plus strand). Cytogenetic location: 17q21.31.
Variant type: Deletion.
Coding change: c.548-?_5193+?del on transcript NM_007294.3.
Other names: Deletion Exons 8-18; c.548-?_5193+?del (LRG_292t1).
Identifiers: ClinVar variation 89069 (VCV000089069.4).

ClinVar aggregate classification (germline): Pathogenic. Review status: criteria provided, multiple submitters, no conflicts (2 of 4 stars). 2 submissions from 2 submitters: Pathogenic (2). Last evaluated 2015-10-02.

Conditions:
Breast-ovarian cancer, familial, susceptibility to, 1 (BROVCA1). Also called: BRCA1 Hereditary Breast and Ovarian Cancer; OVARIAN CANCER, SUSCEPTIBILITY TO. Identifiers: Orphanet 145, MedGen C2676676, MONDO:0011450, OMIM 604370. Disease mechanism: loss of function.
Familial cancer of breast. Also called: hereditary breast carcinoma; BREAST CANCER, FAMILIAL; Hereditary breast cancer. Identifiers: Orphanet 227535, MedGen C0346153, MONDO:0016419, OMIM 114480. Disease mechanism: loss of function.

Submissions (2):

Consortium of Investigators of Modifiers of BRCA1/2 (CIMBA), c/o University of Cambridge
Classification: Pathogenic for Breast-ovarian cancer, familial, susceptibility to, 1. Last evaluated: 2015-10-02. Review status: criteria provided, single submitter. Criteria: CIMBA Mutation Classification guidelines May 2016. Collection method: clinical testing. Allele origin: germline.

GeneDx
Classification: Pathogenic for Familial cancer of breast. Review status: criteria provided, single submitter. Criteria: GeneDx Variant Classification (06012015). Collection method: clinical testing. Allele origin: germline.
Comment: whole or partial BRCA1 and BRCA2 large deletions and duplications have been reported in approximately 6-10% of individuals with BRCA-associated Hereditary Breast and Ovarian Cancer (Judkins 2012)